The following is an entry in ClinVar:

ClinVar aggregate classification (germline): Uncertain significance (1 of 4 stars; one submission).

Conditions:
Kabuki syndrome. Also called: NIIKAWA-KUROKI SYNDROME; Kabuki make-up syndrome. Identifiers: Orphanet 2322, MedGen C0796004, MONDO:0016512.

Submission:

Labcorp Genetics (formerly Invitae), Labcorp
Classification: Uncertain significance for Kabuki syndrome. Last evaluated: 2022-07-05. Review status: criteria provided, single submitter. Criteria: Invitae Variant Classification Sherloc (09022015). Collection method: clinical testing. Allele origin: germline.
Comment: In summary, the available evidence is currently insufficient to determine the role of this variant in disease. Therefore, it has been classified as a Variant of Uncertain Significance. Advanced modeling of protein sequence and biophysical properties (such as structural, functional, and spatial information, amino acid conservation, physicochemical variation, residue mobility, and thermodynamic stability) performed at Invitae indicates that this missense variant is not expected to disrupt KMT2D protein function. ClinVar contains an entry for this variant (Variation ID: 1361351). This variant has not been reported in the literature in individuals affected with KMT2D-related conditions. This variant is not present in population databases (gnomAD no frequency). This sequence change replaces glycine, which is neutral and non-polar, with arginine, which is basic and polar, at codon 3206 of the KMT2D protein (p.Gly3206Arg).

NM_003482.4(KMT2D):c.9616G>A (p.Gly3206Arg)

Gene: KMT2D (lysine methyltransferase 2D; minus strand). Cytogenetic location: 12q13.12.
Variant type: single nucleotide variant.
Coding change: c.9616G>A on transcript NM_003482.4 (MANE Select); coding-DNA position 9616, G replaced by A.
Protein change: p.Gly3206Arg; replaces glycine 3206 with arginine.
Molecular consequence: missense variant.
Genome position (GRCh38, 1-based): chr12:49,037,740, C>T on the plus strand (G>A on the coding strand, the complement: KMT2D is on the minus strand). VCF-style: chr12-49037740-C-T. GRCh37 (hg19) VCF-style: chr12-49431523-C-T.
Other names: short protein forms G3206R.
Identifiers: ClinVar variation 1361351 (VCV001361351.8), dbSNP rs1380574617, ClinGen allele CA384737058.